The following is an entry in ClinVar:

NM_001166108.2(PALLD):c.2927T>C (p.Met976Thr)

Genes: CBR4 (carbonyl reductase 4; minus strand), PALLD (palladin, cytoskeletal associated protein; plus strand). Cytogenetic location: 4q32.3.
Variant type: single nucleotide variant.
Coding change: c.2927T>C on transcript NM_001166108.2 (MANE Select); coding-DNA position 2927, T replaced by C.
Protein change: p.Met976Thr; replaces methionine 976 with threonine.
Molecular consequence: missense variant.
Genome position (GRCh38, 1-based): chr4:168,921,610, T>C. VCF-style: chr4-168921610-T-C. GRCh37 (hg19) VCF-style: chr4-169842761-T-C.
Other names: c.1730T>C, p.Met577Thr (NM_001166109.2); c.1415T>C, p.Met472Thr (NM_001166110.2); c.755T>C, p.Met252Thr (NM_001367567.1, NM_001367569.1); c.806T>C, p.Met269Thr (NM_001367568.1, NM_001367570.1); c.2876T>C, p.Met959Thr (NM_016081.4); short protein forms M252T, M472T, M577T, M269T, M976T, M959T.
Identifiers: ClinVar variation 3885359 (VCV003885359.1).

ClinVar aggregate classification (germline): Uncertain significance (1 of 4 stars; one submission).

Submission:

Ambry Genetics
Classification: Uncertain significance. Last evaluated: 2025-03-02. Review status: criteria provided, single submitter. Criteria: Ambry Variant Classification Scheme 2023. Collection method: clinical testing. Allele origin: germline.
Comment: The p.M472T variant (also known as c.1415T>C), located in coding exon 8 of the PALLD gene, results from a T to C substitution at nucleotide position 1415. The methionine at codon 472 is replaced by threonine, an amino acid with similar properties. This amino acid position is conserved. In addition, this alteration is predicted to be deleterious by in silico analysis. Based on the available evidence, the clinical significance of this variant remains unclear.